The following is an entry in ClinVar:

NM_152743.4(BRAT1):c.715C>T (p.Arg239Trp)

Gene: BRAT1 (BRCA1 associated ATM activator 1; minus strand). Cytogenetic location: 7p22.3.
Variant type: single nucleotide variant.
Coding change: c.715C>T on transcript NM_152743.4 (MANE Select); coding-DNA position 715, C replaced by T.
Protein change: p.Arg239Trp; replaces arginine 239 with tryptophan.
Molecular consequence: missense variant. On other transcripts: non-coding transcript variant (1).
Genome position (GRCh38, 1-based): chr7:2,543,678, G>A on the plus strand (C>T on the coding strand, the complement: BRAT1 is on the minus strand). VCF-style: chr7-2543678-G-A. GRCh37 (hg19) VCF-style: chr7-2583312-G-A.
Other names: c.715C>T, p.Arg239Trp (NM_001350626.2); c.190C>T, p.Arg64Trp (NM_001350627.2); short protein forms R64W, R239W.
Identifiers: ClinVar variation 2083009 (VCV002083009.2), dbSNP rs758480762, ClinGen allele CA152671507.

ClinVar aggregate classification (germline): Uncertain significance (1 of 4 stars; one submission).

Conditions:
Neonatal-onset encephalopathy with rigidity and seizures. Also called: Lethal neonatal spasticity-epileptic encephalopathy syndrome. Identifiers: Orphanet 435845, MedGen C3281029, MONDO:0013784, OMIM 614498.

gnomAD v4.1: 4 of 1,563,352 alleles (0.00026%); highest among the groups gnomAD compares: Admixed American, 0.0018%; no homozygotes.

Submission:

Labcorp Genetics (formerly Invitae), Labcorp
Classification: Uncertain significance for Neonatal-onset encephalopathy with rigidity and seizures. Last evaluated: 2022-12-02. Review status: criteria provided, single submitter. Criteria: Invitae Variant Classification Sherloc (09022015). Collection method: clinical testing. Allele origin: germline.
Comment: This variant has not been reported in the literature in individuals affected with BRAT1-related conditions. The frequency data for this variant in the population databases is considered unreliable, as metrics indicate poor data quality at this position in the gnomAD database. This sequence change replaces arginine, which is basic and polar, with tryptophan, which is neutral and slightly polar, at codon 239 of the BRAT1 protein (p.Arg239Trp). Advanced modeling of protein sequence and biophysical properties (such as structural, functional, and spatial information, amino acid conservation, physicochemical variation, residue mobility, and thermodynamic stability) has been performed at Invitae for this missense variant, however the output from this modeling did not meet the statistical confidence thresholds required to predict the impact of this variant on BRAT1 protein function. In summary, the available evidence is currently insufficient to determine the role of this variant in disease. Therefore, it has been classified as a Variant of Uncertain Significance.